The following is an entry in ClinVar:

ClinVar aggregate classification (germline): Uncertain significance. Review status: criteria provided, multiple submitters, no conflicts (2 of 4 stars). 2 submissions from 2 submitters: Uncertain significance (2). Last evaluated 2024-10-14.

Conditions:
Hajdu-Cheney syndrome (HJCYS). Also called: Acroosteolysis dominant type; ACROOSTEOLYSIS WITH OSTEOPOROSIS AND CHANGES IN SKULL AND MANDIBLE; SERPENTINE FIBULA-POLYCYSTIC KIDNEY SYNDROME. Identifiers: Orphanet 955, MedGen C0917715, MONDO:0007057, OMIM 102500.
Alagille syndrome due to a NOTCH2 point mutation. Also called: Alagille syndrome 2. Identifiers: Orphanet 261629, Orphanet 52, MedGen C1857761, MONDO:0012439, OMIM 610205.
NOTCH2-related disorder. Also called: NOTCH2-related condition.

Submissions (2):

PreventionGenetics, part of Exact Sciences
Classification: Uncertain significance for NOTCH2-related condition. Last evaluated: 2024-10-14. Review status: criteria provided, single submitter. Criteria: ACMG Guidelines, 2015. Collection method: clinical testing. Allele origin: germline.
Comment: The NOTCH2 c.3421T>C variant is predicted to result in the amino acid substitution p.Tyr1141His. To our knowledge, this variant has not been reported in the literature or in a large population database (gnomAD), indicating this variant is rare. At this time, the clinical significance of this variant is uncertain due to the absence of conclusive functional and genetic evidence.

Juno Genomics, Hangzhou Juno Genomics, Inc
Classification: Uncertain significance for Alagille syndrome due to a NOTCH2 point mutation; Hajdu-Cheney syndrome. Review status: criteria provided, single submitter. Criteria: ACMG Guidelines, 2015. Collection method: clinical testing. Allele origin: germline.
Comment: Absent from controls (or at extremely low frequency if recessive) in Genome Aggregation Database.;Multiple lines of computational evidence support a deleterious effect on the gene or gene product.;Missense variant in a gene that has a low rate of benign missense variation.

NM_024408.4(NOTCH2):c.3421T>C (p.Tyr1141His)

Gene: NOTCH2 (notch receptor 2; minus strand). Cytogenetic location: 1p12.
Variant type: single nucleotide variant.
Coding change: c.3421T>C on transcript NM_024408.4 (MANE Select); coding-DNA position 3421, T replaced by C.
Protein change: p.Tyr1141His; replaces tyrosine 1141 with histidine.
Molecular consequence: missense variant.
Genome position (GRCh38, 1-based): chr1:119,937,383, A>G on the plus strand (T>C on the coding strand, the complement: NOTCH2 is on the minus strand). VCF-style: chr1-119937383-A-G. GRCh37 (hg19) VCF-style: chr1-120480006-A-G.
Other names: c.3421T>C, p.Tyr1141His (NM_001200001.2); short protein forms Y1141H.
Identifiers: ClinVar variation 5001007 (VCV005001007.3).